The following is an entry in ClinVar:

ClinVar aggregate classification (germline): Uncertain significance (1 of 4 stars; one submission).

Submission:

Labcorp Genetics (formerly Invitae), Labcorp
Classification: Uncertain significance. Last evaluated: 2024-02-06. Review status: criteria provided, single submitter. Criteria: Invitae Variant Classification Sherloc (09022015). Collection method: clinical testing. Allele origin: germline.
Comment: This sequence change replaces threonine, which is neutral and polar, with proline, which is neutral and non-polar, at codon 1727 of the SRCAP protein (p.Thr1727Pro). This variant is present in population databases (rs750364979, gnomAD 0.002%). This variant has not been reported in the literature in individuals affected with SRCAP-related conditions. ClinVar contains an entry for this variant (Variation ID: 1915165). Advanced modeling of protein sequence and biophysical properties (such as structural, functional, and spatial information, amino acid conservation, physicochemical variation, residue mobility, and thermodynamic stability) performed at Invitae indicates that this missense variant is not expected to disrupt SRCAP protein function with a negative predictive value of 80%. In summary, the available evidence is currently insufficient to determine the role of this variant in disease. Therefore, it has been classified as a Variant of Uncertain Significance.

NM_006662.3(SRCAP):c.5179A>C (p.Thr1727Pro)

Gene: SRCAP (Snf2 related CREBBP activator protein; plus strand). Cytogenetic location: 16p11.2.
Variant type: single nucleotide variant.
Coding change: c.5179A>C on transcript NM_006662.3 (MANE Select); coding-DNA position 5179, A replaced by C.
Protein change: p.Thr1727Pro; replaces threonine 1727 with proline.
Molecular consequence: missense variant.
Genome position (GRCh38, 1-based): chr16:30,724,603, A>C. VCF-style: chr16-30724603-A-C. GRCh37 (hg19) VCF-style: chr16-30735924-A-C.
Other names: short protein forms T1727P.
Identifiers: ClinVar variation 1915165 (VCV001915165.5), dbSNP rs750364979, ClinGen allele CA8011913.